The following is an entry in ClinVar:

ClinVar aggregate classification (germline): Uncertain significance. Review status: criteria provided, multiple submitters, no conflicts (2 of 4 stars). 2 submissions from 2 submitters: Uncertain significance (2). Last evaluated 2024-06-24.

Allele frequency attached by ClinVar (database versions not stated): gnomAD exomes 0.00001.
gnomAD v4.1: 10 of 1,614,152 alleles (0.00062%); highest among the groups gnomAD compares: Non-Finnish European, 0.00085%; no homozygotes.

Submissions (2):

GeneDx
Classification: Uncertain significance. Last evaluated: 2024-06-24. Review status: criteria provided, single submitter. Criteria: GeneDx Variant Classification Process June 2021. Collection method: clinical testing. Allele origin: germline. Affected: yes.
Comment: Not observed at significant frequency in large population cohorts (gnomAD); In silico analysis indicates that this missense variant does not alter protein structure/function; Has not been previously published as pathogenic or benign to our knowledge

Labcorp Genetics (formerly Invitae), Labcorp
Classification: Uncertain significance. Last evaluated: 2022-04-12. Review status: criteria provided, single submitter. Criteria: Invitae Variant Classification Sherloc (09022015). Collection method: clinical testing. Allele origin: germline.
Comment: In summary, the available evidence is currently insufficient to determine the role of this variant in disease. Therefore, it has been classified as a Variant of Uncertain Significance. Algorithms developed to predict the effect of missense changes on protein structure and function are either unavailable or do not agree on the potential impact of this missense change (SIFT: "Tolerated"; PolyPhen-2: "Probably Damaging"; Align-GVGD: "Class C0"). This variant has not been reported in the literature in individuals affected with ARHGAP31-related conditions. This variant is not present in population databases (gnomAD no frequency). This sequence change replaces methionine, which is neutral and non-polar, with threonine, which is neutral and polar, at codon 904 of the ARHGAP31 protein (p.Met904Thr).

NM_020754.4(ARHGAP31):c.2711T>C (p.Met904Thr)

Gene: ARHGAP31 (Rho GTPase activating protein 31; plus strand). Cytogenetic location: 3q13.33.
Variant type: single nucleotide variant.
Coding change: c.2711T>C on transcript NM_020754.4 (MANE Select); coding-DNA position 2711, T replaced by C.
Protein change: p.Met904Thr; replaces methionine 904 with threonine.
Molecular consequence: missense variant.
Genome position (GRCh38, 1-based): chr3:119,414,640, T>C. VCF-style: chr3-119414640-T-C. GRCh37 (hg19) VCF-style: chr3-119133487-T-C.
Other names: c.2711T>C (NM_020754.2); short protein forms M904T.
Identifiers: ClinVar variation 1927241 (VCV001927241.6), dbSNP rs2080755242, ClinGen allele CA354052644.